The following is an entry in ClinVar:

NM_015148.4(PASK):c.2054C>G (p.Thr685Arg)

Gene: PASK (PAS domain containing serine/threonine kinase; minus strand). Cytogenetic location: 2q37.3.
Variant type: single nucleotide variant.
Coding change: c.2054C>G on transcript NM_015148.4 (MANE Select); coding-DNA position 2054, C replaced by G.
Protein change: p.Thr685Arg; replaces threonine 685 with arginine.
Molecular consequence: missense variant.
Genome position (GRCh38, 1-based): chr2:241,126,861, G>C on the plus strand (C>G on the coding strand, the complement: PASK is on the minus strand). VCF-style: chr2-241126861-G-C. GRCh37 (hg19) VCF-style: chr2-242066276-G-C.
Other names: c.2054C>G, p.Thr685Arg (NM_001252119.2, NM_001252120.2, NM_001252124.2); c.1949C>G, p.Thr650Arg (NM_001252122.2); c.2054C>G (NM_015148.2, NM_001252119.1); short protein forms T650R, T685R.
Identifiers: ClinVar variation 786813 (VCV000786813.10), dbSNP rs139743003, ClinGen allele CA2213212.

ClinVar aggregate classification (germline): Conflicting classifications of pathogenicity. Review status: criteria provided, conflicting classifications (1 of 4 stars). 4 submissions from 4 submitters: Uncertain significance (1); Likely benign (2). 1 of the submissions does not count toward it. Last evaluated 2022-04-08.

Conditions:
PASK-related disorder. Also called: PASK-related condition.

Allele frequency attached by ClinVar (database versions not stated): gnomAD 0.00093 and 0.00088; 1000 Genomes Project 30x 0.00172; ExAC 0.00076; gnomAD exomes 0.00091 and 0.00098; ESP Exome Variant Server 0.00100; TOPMed 0.00120; 1000 Genomes Project 0.00140.
gnomAD v4.1: 1,583 of 1,612,890 alleles (0.098%); highest among the groups gnomAD compares: Admixed American, 0.16%; 4 homozygotes.

Submissions (4):

Ambry Genetics
Classification: Uncertain significance. Last evaluated: 2022-04-08. Review status: criteria provided, single submitter. Criteria: Ambry Variant Classification Scheme 2023. Collection method: clinical testing. Allele origin: germline.

Labcorp Genetics (formerly Invitae), Labcorp
Classification: Likely benign. Last evaluated: 2019-12-31. Review status: criteria provided, single submitter. Criteria: Invitae Variant Classification Sherloc (09022015). Collection method: clinical testing. Allele origin: germline.

Breakthrough Genomics
Classification: Likely benign. Review status: criteria provided, single submitter. Criteria: ACMG Guidelines, 2015. Collection method: not provided. Allele origin: germline. Inheritance: Unknown mechanism. Affected: yes.

PreventionGenetics, part of Exact Sciences
Classification: Likely benign for PASK-related condition. Last evaluated: 2021-02-23. Review status: no assertion criteria provided. Collection method: clinical testing. Allele origin: germline. Not counted in ClinVar's aggregate classification.
Comment: This variant is classified as likely benign based on ACMG/AMP sequence variant interpretation guidelines (Richards et al. 2015 PMID: 25741868, with internal and published modifications).